The following is an entry in ClinVar:

NM_182961.4(SYNE1):c.24347C>T (p.Ala8116Val)

Gene: SYNE1 (spectrin repeat containing nuclear envelope protein 1; minus strand). Cytogenetic location: 6q25.2.
Variant type: single nucleotide variant.
Coding change: c.24347C>T on transcript NM_182961.4 (MANE Select); coding-DNA position 24347, C replaced by T.
Protein change: p.Ala8116Val; replaces alanine 8116 with valine.
Molecular consequence: missense variant.
Genome position (GRCh38, 1-based): chr6:152,151,656, G>A on the plus strand (C>T on the coding strand, the complement: SYNE1 is on the minus strand). VCF-style: chr6-152151656-G-A. GRCh37 (hg19) VCF-style: chr6-152472791-G-A.
Other names: c.953C>T, p.Ala318Val (NM_001347701.2); c.812C>T, p.Ala271Val (NM_001347702.2); c.24134C>T, p.Ala8045Val (NM_033071.5); short protein forms A271V, A318V, A8045V, A8116V.
Identifiers: ClinVar variation 5018458 (VCV005018458.1).

ClinVar aggregate classification (germline): Uncertain significance (1 of 4 stars; one submission).

gnomAD v4.1: 27 of 1,614,060 alleles (0.0017%); highest among the groups gnomAD compares: East Asian, 0.042%; no homozygotes.

Submission:

GeneDx
Classification: Uncertain significance. Last evaluated: 2026-03-26. Review status: criteria provided, single submitter. Criteria: GeneDx Variant Classification Process June 2021. Collection method: clinical testing. Allele origin: germline.
Comment: In silico analysis supports that this missense variant has a deleterious effect on protein structure/function; Has not been previously published as pathogenic or benign to our knowledge